The following is an entry in ClinVar:

NM_022552.5(DNMT3A):c.383C>T (p.Ala128Val)

Gene: DNMT3A (DNA methyltransferase 3 alpha; minus strand). Cytogenetic location: 2p23.3.
Variant type: single nucleotide variant.
Coding change: c.383C>T on transcript NM_022552.5 (MANE Select); coding-DNA position 383, C replaced by T.
Protein change: p.Ala128Val; replaces alanine 128 with valine.
Molecular consequence: missense variant. On other transcripts: non-coding transcript variant (1).
Genome position (GRCh38, 1-based): chr2:25,282,506, G>A on the plus strand (C>T on the coding strand, the complement: DNMT3A is on the minus strand). VCF-style: chr2-25282506-G-A. GRCh37 (hg19) VCF-style: chr2-25505375-G-A.
Other names: c.383C>T, p.Ala128Val (NM_001320892.2, NM_175629.2, NM_175630.1); short protein forms A128V.
Identifiers: ClinVar variation 4992089 (VCV004992089.1).

ClinVar aggregate classification (germline): Uncertain significance (1 of 4 stars; one submission).

Conditions:
DNMT3A-related disorder. Also called: DNMT3A-related disorders; DNMT3A-related condition.

gnomAD v4.1: 2 of 1,613,458 alleles (0.00012%); highest among the groups gnomAD compares: African/African-American, 0.0013%; no homozygotes.

Submission:

PreventionGenetics, part of Exact Sciences
Classification: Uncertain significance for DNMT3A-related condition. Last evaluated: 2026-03-19. Review status: criteria provided, single submitter. Criteria: ACMG Guidelines, 2015. Collection method: clinical testing. Allele origin: germline.
Comment: The DNMT3A c.383C>T variant is predicted to result in the amino acid substitution p.Ala128Val. To our knowledge, this variant has not been reported in the literature. This variant is reported in 0.0062% of alleles in individuals of African descent in gnomAD. At this time, the clinical significance of this variant is uncertain due to the absence of conclusive functional and genetic evidence.